The following is an entry in ClinVar:

NM_000236.3(LIPC):c.12T>G (p.Ser4Arg)

Gene: LIPC (lipase C, hepatic type; plus strand). Cytogenetic location: 15q21.3.
Variant type: single nucleotide variant.
Coding change: c.12T>G on transcript NM_000236.3 (MANE Select); coding-DNA position 12, T replaced by G.
Protein change: p.Ser4Arg; replaces serine 4 with arginine.
Molecular consequence: missense variant.
Genome position (GRCh38, 1-based): chr15:58,432,044, T>G. VCF-style: chr15-58432044-T-G. GRCh37 (hg19) VCF-style: chr15-58724243-T-G.
Other names: short protein forms S4R.
Identifiers: ClinVar variation 2849214 (VCV002849214.3), dbSNP rs1893140808, ClinGen allele CA392794320.

ClinVar aggregate classification (germline): Uncertain significance (1 of 4 stars; one submission).

gnomAD v4.1: 1 of 1,612,932 alleles (0.000062%); no homozygotes.

Submission:

Labcorp Genetics (formerly Invitae), Labcorp
Classification: Uncertain significance. Last evaluated: 2023-09-06. Review status: criteria provided, single submitter. Criteria: Invitae Variant Classification Sherloc (09022015). Collection method: clinical testing. Allele origin: germline.
Comment: In summary, the available evidence is currently insufficient to determine the role of this variant in disease. Therefore, it has been classified as a Variant of Uncertain Significance. Algorithms developed to predict the effect of missense changes on protein structure and function output the following: SIFT: "Not Available"; PolyPhen-2: "Benign"; Align-GVGD: "Not Available". The arginine amino acid residue is found in multiple mammalian species, which suggests that this missense change does not adversely affect protein function. This variant has not been reported in the literature in individuals affected with LIPC-related conditions. This variant is not present in population databases (gnomAD no frequency). This sequence change replaces serine, which is neutral and polar, with arginine, which is basic and polar, at codon 4 of the LIPC protein (p.Ser4Arg).